The following is an entry in ClinVar:

NM_018063.5(HELLS):c.196C>T (p.Arg66Cys)

Gene: HELLS (helicase, lymphoid specific; plus strand). Cytogenetic location: 10q23.33.
Variant type: single nucleotide variant.
Coding change: c.196C>T on transcript NM_018063.5 (MANE Select); coding-DNA position 196, C replaced by T.
Protein change: p.Arg66Cys; replaces arginine 66 with cysteine.
Molecular consequence: missense variant. On other transcripts: 5 prime UTR variant (4).
Genome position (GRCh38, 1-based): chr10:94,554,168, C>T. VCF-style: chr10-94554168-C-T. GRCh37 (hg19) VCF-style: chr10-96313925-C-T.
Other names: c.196C>T (NM_018063.3); c.196C>T, p.Arg66Cys (NM_001289067.2, NM_001289069.2, NM_001289070.2 and 1 more transcripts); c.148C>T, p.Arg50Cys (NM_001289068.2); c.-221C>T (NM_001289071.2); c.-154C>T (NM_001289073.2); c.-807C>T (NM_001289074.2); c.-826C>T (NM_001289075.2); short protein forms R50C, R66C.
Identifiers: ClinVar variation 1444544 (VCV001444544.7), dbSNP rs770896821, ClinGen allele CA5615195.
Genomic context (GRCh38, chr10:94,554,168, plus strand): 5'-AATTTTCTCTTTGGATAGGCTCGCATGTCTTGGGATAGAGAGTCGACAGAAATTCGGTAC[C>T]GTAGACTTCAACATTTGCTTGAAAAAAGCAATATATACTCCAAATTTTTATTGACGAAAA-3'
Protein context (NP_060533.2, residues 56-76): WDRESTEIRY[Arg66Cys]RLQHLLEKSN

ClinVar aggregate classification (germline): Uncertain significance. Review status: criteria provided, multiple submitters, no conflicts (2 of 4 stars). 2 submissions from 2 submitters: Uncertain significance (2). Last evaluated 2025-04-28.

Conditions:
Inborn genetic diseases. Identifiers: MedGen C0950123, MeSH D030342.

Allele frequency attached by ClinVar (database versions not stated): gnomAD exomes 0.00001; ExAC 0.00002; gnomAD 0.00002; TOPMed 0.00002.
gnomAD v4.1: 15 of 1,571,340 alleles (0.00095%); highest among the groups gnomAD compares: African/African-American, 0.0014%; no homozygotes.

Submissions (2):

Ambry Genetics
Classification: Uncertain significance for Inborn genetic diseases. Last evaluated: 2025-04-28. Review status: criteria provided, single submitter. Criteria: Ambry Variant Classification Scheme 2023. Collection method: clinical testing. Allele origin: germline.

Labcorp Genetics (formerly Invitae), Labcorp
Classification: Uncertain significance. Last evaluated: 2022-06-16. Review status: criteria provided, single submitter. Criteria: Invitae Variant Classification Sherloc (09022015). Collection method: clinical testing. Allele origin: germline.
Comment: In summary, the available evidence is currently insufficient to determine the role of this variant in disease. Therefore, it has been classified as a Variant of Uncertain Significance. Algorithms developed to predict the effect of missense changes on protein structure and function are either unavailable or do not agree on the potential impact of this missense change (SIFT: "Deleterious"; PolyPhen-2: "Possibly Damaging"; Align-GVGD: "Class C0"). This variant has not been reported in the literature in individuals affected with HELLS-related conditions. This variant is present in population databases (rs770896821, gnomAD 0.007%). This sequence change replaces arginine, which is basic and polar, with cysteine, which is neutral and slightly polar, at codon 66 of the HELLS protein (p.Arg66Cys).